The following is an entry in ClinVar:

ClinVar aggregate classification (germline): Uncertain significance (1 of 4 stars; one submission).

Submission:

Ambry Genetics
Classification: Uncertain significance. Last evaluated: 2025-08-22. Review status: criteria provided, single submitter. Criteria: Ambry Variant Classification Scheme 2023. Collection method: clinical testing. Allele origin: germline.
Comment: The p.P165L variant (also known as c.494C>T), located in coding exon 1 of the WNK2 gene, results from a C to T substitution at nucleotide position 494. The proline at codon 165 is replaced by leucine, an amino acid with similar properties. This amino acid position is conserved. In addition, this alteration is predicted to be tolerated by in silico analysis. Based on the available evidence, the clinical significance of this variant remains unclear.

NM_006648.4(WNK2):c.494C>T (p.Pro165Leu)

Gene: WNK2 (WNK lysine deficient protein kinase 2; plus strand). Cytogenetic location: 9q22.31.
Variant type: single nucleotide variant.
Coding change: c.494C>T on transcript NM_006648.4 (MANE Select); coding-DNA position 494, C replaced by T.
Protein change: p.Pro165Leu; replaces proline 165 with leucine.
Molecular consequence: missense variant.
Genome position (GRCh38, 1-based): chr9:93,185,423, C>T. VCF-style: chr9-93185423-C-T. GRCh37 (hg19) VCF-style: chr9-95947705-C-T.
Other names: c.494C>T, p.Pro165Leu (NM_001282394.3); short protein forms P165L.
Identifiers: ClinVar variation 4201800 (VCV004201800.1).